The following is an entry in ClinVar:

NM_000044.6(AR):c.268C>T (p.Gln90Ter)

Genes: AR (androgen receptor; plus strand), LOC109504725 (androgen receptor repeat instability region; plus strand). Cytogenetic location: Xq12.
Variant type: single nucleotide variant.
Coding change: c.268C>T on transcript NM_000044.6 (MANE Select); coding-DNA position 268, C replaced by T.
Protein change: p.Gln90Ter; replaces glutamine 90 with a stop codon.
Molecular consequence: nonsense. On other transcripts: 5 prime UTR variant (1).
Genome position (GRCh38, 1-based): chrX:67,545,414, C>T. VCF-style: chrX-67545414-C-T. GRCh37 (hg19) VCF-style: chrX-66765256-C-T.
Other names: c.-1516C>T (NM_001011645.3); c.268C>T, p.Gln90Ter (NM_001348061.1, NM_001348063.1, NM_001348064.1); short protein forms Q90*.
Identifiers: ClinVar variation 458365 (VCV000458365.7), dbSNP rs1555969545, ClinGen allele CA413424176.

ClinVar aggregate classification (germline): Pathogenic (1 of 4 stars; one submission).

Conditions:
Androgen resistance syndrome (AIS). Also called: ANDROGEN RECEPTOR DEFICIENCY; DIHYDROTESTOSTERONE RECEPTOR DEFICIENCY; Androgen insensitivity syndrome; TESTICULAR FEMINIZATION SYNDROME; Androgen insensitivity; Androgen insensitivity syndrome due to coactivator deficiency. Identifiers: Orphanet 754, Orphanet 99429, MedGen C0039585, MONDO:0019154, OMIM 300068. Disease mechanism: loss of function.
Kennedy disease (SMAX1). Also called: SPINAL AND BULBAR MUSCULAR ATROPHY, X-LINKED 1; Spinal and Bulbar Muscular Atrophy; KENNEDY SPINAL AND BULBAR MUSCULAR ATROPHY. Identifiers: Orphanet 481, MedGen C1839259, MONDO:0010735, OMIM 313200.

Submission:

Labcorp Genetics (formerly Invitae), Labcorp
Classification: Pathogenic for Kennedy disease; Androgen resistance syndrome. Last evaluated: 2021-12-03. Review status: criteria provided, single submitter. Criteria: Invitae Variant Classification Sherloc (09022015). Collection method: clinical testing. Allele origin: germline.
Comment: ClinVar contains an entry for this variant (Variation ID: 458365). This sequence change creates a premature translational stop signal (p.Gln90*) in the AR gene. It is expected to result in an absent or disrupted protein product. Loss-of-function variants in AR are known to be pathogenic (PMID: 19463997). This variant is not present in population databases (gnomAD no frequency). This variant has not been reported in the literature in individuals affected with AR-related conditions. For these reasons, this variant has been classified as Pathogenic.

Literature cited by the submitters: PubMed 19463997.